The following is an entry in ClinVar:

NM_001356.5(DDX3X):c.544T>G (p.Phe182Val)

Gene: DDX3X (DEAD-box helicase 3 X-linked; plus strand). Cytogenetic location: Xp11.4.
Variant type: single nucleotide variant.
Coding change: c.544T>G on transcript NM_001356.5 (MANE Select); coding-DNA position 544, T replaced by G.
Protein change: p.Phe182Val; replaces phenylalanine 182 with valine.
Molecular consequence: missense variant. On other transcripts: 5 prime UTR variant (1), non-coding transcript variant (1).
Genome position (GRCh38, 1-based): chrX:41,343,216, T>G. VCF-style: chrX-41343216-T-G. GRCh37 (hg19) VCF-style: chrX-41202469-T-G.
Other names: c.544T>G, p.Phe182Val (NM_001193416.3); c.496T>G, p.Phe166Val (NM_001193417.3); c.-15T>G (NM_001363819.1); short protein forms F166V, F182V.
Identifiers: ClinVar variation 1033778 (VCV001033778.1), dbSNP rs2063875155, ClinGen allele CA412767633.

ClinVar aggregate classification (germline): Likely pathogenic (1 of 4 stars; one submission).

Conditions:
Intellectual disability, X-linked 102 (MRXSSB). Also called: Intellectual developmental disorder, X-linked syndromic, Snijders Blok type. Identifiers: Orphanet 457260, MedGen C5393299, MONDO:0010497, OMIM 300958.

Submission:

Baylor Genetics
Classification: Likely pathogenic for Intellectual disability, X-linked 102. Last evaluated: 2018-12-12. Review status: criteria provided, single submitter. Criteria: ACMG Guidelines, 2015. Collection method: clinical testing. Allele origin: de novo. Affected: yes.
Comment: This variant was determined to be likely pathogenic according to ACMG Guidelines, 2015 [PMID:25741868].